The following is an entry in ClinVar:

ClinVar aggregate classification (germline): Likely benign (0 of 4 stars; one submission).

Conditions:
ROGDI-related disorder. Also called: ROGDI-related condition.

Submission:

PreventionGenetics, part of Exact Sciences
Classification: Likely benign for ROGDI-related condition. Last evaluated: 2022-10-04. Review status: no assertion criteria provided. Collection method: clinical testing. Allele origin: germline.
Comment: This variant is classified as likely benign based on ACMG/AMP sequence variant interpretation guidelines (Richards et al. 2015 PMID: 25741868, with internal and published modifications).

NM_024589.3(ROGDI):c.46-33_46-31dup

Gene: ROGDI (rogdi atypical leucine zipper; minus strand). Cytogenetic location: 16p13.3.
Variant type: Duplication.
Coding change: c.46-33_46-31dup on transcript NM_024589.3 (MANE Select); 33 bases into the intron before coding-DNA position 46 through 31 bases into the intron before coding-DNA position 46, 3 bases duplicated (GGG; older notation c.46-33_46-31dupGGG).
Molecular consequence: intron variant.
Genome position (GRCh38, 1-based): chr16:4,802,484-4,802,486, CCC duplicated on the plus strand (GGG on the coding strand, the reverse complement: ROGDI is on the minus strand); duplicating any 3 consecutive bases within chr16:4,802,484-4,802,487 gives the same sequence; the c. name uses the placement nearest the transcript's 3' end. VCF-style (leftmost placement, unchanged base first): chr16-4802483-G-GCCC. GRCh37 (hg19) VCF-style: chr16-4852484-G-GCCC.
Identifiers: ClinVar variation 3045869 (VCV003045869.2), dbSNP rs746101614, ClinGen allele CA7883043.